The following is an entry in ClinVar:

NM_006941.4(SOX10):c.820G>A (p.Gly274Ser)

Genes: POLR2F (RNA polymerase II, I and III subunit F; plus strand), SOX10 (SRY-box transcription factor 10; minus strand). Cytogenetic location: 22q13.1.
Variant type: single nucleotide variant.
Coding change: c.820G>A on transcript NM_006941.4 (MANE Select); coding-DNA position 820, G replaced by A.
Protein change: p.Gly274Ser; replaces glycine 274 with serine.
Molecular consequence: missense variant. On other transcripts: intron variant (3).
Genome position (GRCh38, 1-based): chr22:37,974,076, C>T on the plus strand (G>A on the coding strand, the complement: SOX10 is on the minus strand). VCF-style: chr22-37974076-C-T. GRCh37 (hg19) VCF-style: chr22-38370083-C-T.
Other names: c.*38+1766C>T (NM_001363825.1); c.293+6906C>T (NM_001301130.2, NM_001301131.2); short protein forms G274S.
Identifiers: ClinVar variation 2155392 (VCV002155392.3), dbSNP rs143007495, ClinGen allele CA10228579.

ClinVar aggregate classification (germline): Uncertain significance (1 of 4 stars; one submission).

Allele frequency attached by ClinVar (database versions not stated): ESP Exome Variant Server 0.00008; gnomAD 0.00001; gnomAD exomes 0.00001; ExAC 0.00001; TOPMed 0.00001.
gnomAD v4.1: 17 of 1,613,862 alleles (0.0011%); highest among the groups gnomAD compares: Non-Finnish European, 0.0013%; no homozygotes.

Submission:

Labcorp Genetics (formerly Invitae), Labcorp
Classification: Uncertain significance. Last evaluated: 2024-03-31. Review status: criteria provided, single submitter. Criteria: Invitae Variant Classification Sherloc (09022015). Collection method: clinical testing. Allele origin: germline.
Comment: This sequence change replaces glycine, which is neutral and non-polar, with serine, which is neutral and polar, at codon 274 of the SOX10 protein (p.Gly274Ser). This variant is present in population databases (rs143007495, gnomAD 0.004%). This variant has not been reported in the literature in individuals affected with SOX10-related conditions. ClinVar contains an entry for this variant (Variation ID: 2155392). Advanced modeling of protein sequence and biophysical properties (such as structural, functional, and spatial information, amino acid conservation, physicochemical variation, residue mobility, and thermodynamic stability) performed at Invitae indicates that this missense variant is not expected to disrupt SOX10 protein function with a negative predictive value of 80%. In summary, the available evidence is currently insufficient to determine the role of this variant in disease. Therefore, it has been classified as a Variant of Uncertain Significance.